The following is an entry in ClinVar:

NM_198578.4(LRRK2):c.7483G>A (p.Val2495Ile)

Gene: LRRK2 (leucine rich repeat kinase 2; plus strand). Cytogenetic location: 12q12.
Variant type: single nucleotide variant.
Coding change: c.7483G>A on transcript NM_198578.4 (MANE Select); coding-DNA position 7483, G replaced by A.
Protein change: p.Val2495Ile; replaces valine 2495 with isoleucine.
Molecular consequence: missense variant.
Genome position (GRCh38, 1-based): chr12:40,367,664, G>A. VCF-style: chr12-40367664-G-A. GRCh37 (hg19) VCF-style: chr12-40761466-G-A.
Other names: p.Val2495Ile; short protein forms V2495I.
Identifiers: ClinVar variation 308648 (VCV000308648.42), dbSNP rs150062967, ClinGen allele CA6514967.

ClinVar aggregate classification (germline): Benign/Likely benign. Review status: criteria provided, multiple submitters, no conflicts (2 of 4 stars). 5 submissions from 5 submitters: Benign (3); Likely benign (2). Last evaluated 2025-08-08.

Conditions:
Autosomal dominant Parkinson disease 8. Also called: Parkinson disease 8, susceptibility to; LRRK2-Related Parkinson Disease; Parkinson disease 8. Identifiers: Orphanet 411602, MedGen C1846862, MONDO:0011764, OMIM 607060.

Allele frequency attached by ClinVar (database versions not stated): gnomAD 0.00011 and 0.00030; TOPMed 0.00012; ESP Exome Variant Server 0.00015; gnomAD exomes 0.00060 and 0.00115; 1000 Genomes Project 30x 0.00062; 1000 Genomes Project 0.00080; ExAC 0.00119.
gnomAD v4.1: 924 of 1,602,876 alleles (0.058%); highest among the groups gnomAD compares: South Asian, 0.81%; 10 homozygotes.

Submissions (5):

Labcorp Genetics (formerly Invitae), Labcorp
Classification: Benign for Autosomal dominant Parkinson disease 8. Last evaluated: 2025-08-08. Review status: criteria provided, single submitter. Criteria: Invitae Variant Classification Sherloc (09022015). Collection method: clinical testing. Allele origin: germline.

Blueprint Genetics
Classification: Likely benign. Last evaluated: 2024-11-25. Review status: criteria provided, single submitter. Criteria: ACMG Guidelines, 2015. Collection method: clinical testing. Allele origin: germline.

Mayo Clinic Laboratories, Mayo Clinic
Classification: Benign. Last evaluated: 2024-07-17. Review status: criteria provided, single submitter. Criteria: ACMG Guidelines, 2015. Collection method: clinical testing. Allele origin: germline. Observed: 2 variant alleles.
Comment: BS1, BS2, BP4

CeGaT Center for Human Genetics Tuebingen
Classification: Likely benign. Last evaluated: 2023-06-01. Review status: criteria provided, single submitter. Criteria: CeGaT Center For Human Genetics Tuebingen Variant Classification Criteria Version 2. Collection method: clinical testing. Allele origin: germline. Affected: yes. Observed: 1 variant allele.
Comment: LRRK2: BP4, BS1

Illumina Laboratory Services, Illumina
Classification: Benign for Autosomal dominant Parkinson disease 8. Last evaluated: 2018-01-13. Review status: criteria provided, single submitter. Criteria: ICSL Variant Classification Criteria 13 December 2019. Collection method: clinical testing. Allele origin: germline.
Comment: This variant was observed in the ICSL laboratory as part of a predisposition screen in an ostensibly healthy population. It had not been previously curated by ICSL or reported in the Human Gene Mutation Database (HGMD: prior to June 1st, 2018), and was therefore a candidate for classification through an automated scoring system. Utilizing variant allele frequency, disease prevalence and penetrance estimates, and inheritance mode, an automated score was calculated to assess if this variant is too frequent to cause the disease. Based on the score and internal cut-off values, a variant classified as benign is not then subjected to further curation. The score for this variant resulted in a classification of benign for this disease.